The following is an entry in ClinVar:

Conditions:
Breast-ovarian cancer, familial, susceptibility to, 1 (BROVCA1). Also called: BRCA1 Hereditary Breast and Ovarian Cancer; OVARIAN CANCER, SUSCEPTIBILITY TO. Identifiers: Orphanet 145, MedGen C2676676, MONDO:0011450, OMIM 604370. Disease mechanism: loss of function.

Submission:

Brotman Baty Institute, University of Washington
No classification provided (evidence only). Condition: Breast-ovarian cancer, familial 1. Review status: no classification provided. Collection method: in vitro. Allele origin: not applicable. Functional consequence: functionally_normal.
ClinVar note: "not provided" was previously submitted as the classification for the variant. However, the classification appeared to be based only on an observation of functional data so it was converted to no classification on 2025-07-30.

NM_007294.4(BRCA1):c.81-23T>G

Gene: BRCA1 (BRCA1 DNA repair associated; minus strand). Cytogenetic location: 17q21.31.
Variant type: single nucleotide variant.
Coding change: c.81-23T>G on transcript NM_007294.4 (MANE Select); 23 bases into the intron before coding-DNA position 81, T replaced by G.
Molecular consequence: intron variant.
Genome position (GRCh38, 1-based): chr17:43,115,802, A>C on the plus strand (T>G on the coding strand, the complement: BRCA1 is on the minus strand). VCF-style: chr17-43115802-A-C. GRCh37 (hg19) VCF-style: chr17-41267819-A-C.
Other names: c.-61-23T>G (NM_001408458.1, NM_001408470.1, NM_001407848.1 and 47 more transcripts); c.-219+9475T>G (NM_001407967.1); c.-170+9475T>G (NM_001407959.1); c.-7-9269T>G (NM_001407931.1, NM_001407747.1, NM_001408511.1 and 2 more transcripts); c.-223-23T>G (NM_001407962.1, NM_001408512.1, NM_001408510.1 and 1 more transcripts); c.-108-23T>G (NM_001407885.1, NM_001407886.1, NM_001408509.1 and 52 more transcripts); c.-177-23T>G (NM_001407746.1, NM_001408468.1, NM_001407842.1 and 13 more transcripts); c.-8+8215T>G (NM_001408461.1, NM_001407738.1, NM_001407932.1 and 23 more transcripts); and 10 more.
Identifiers: ClinVar variation 867437 (VCV000867437.3), dbSNP rs1287290908, ClinGen allele CA916081104.